The following is an entry in ClinVar:

ClinVar aggregate classification (germline): Benign/Likely benign. Review status: criteria provided, multiple submitters, no conflicts (2 of 4 stars). 8 submissions from 7 submitters: Benign (6); Likely benign (2). Last evaluated 2026-06-01.

Conditions:
Schwartz-Jampel syndrome. Also called: Myotonic myopathy dwarfism chondrodystrophy and ocular and facial abnormalities. Identifiers: Orphanet 800, MedGen C0036391, MONDO:0009717.
Lethal Kniest-like syndrome (DDSH). Also called: Dyssegmental Dysplasia. Identifiers: Orphanet 1865, MedGen C1857100, MONDO:0009140, OMIM 224410.

Allele frequency attached by ClinVar (database versions not stated): gnomAD exomes 0.00039 and 0.00100; ExAC 0.00196; ESP Exome Variant Server 0.00343; gnomAD 0.00373 and 0.00406; 1000 Genomes Project 0.00419; TOPMed 0.00431; 1000 Genomes Project 30x 0.00500.

Submissions (8):

CeGaT Center for Human Genetics Tuebingen
Classification: Likely benign. Last evaluated: 2026-06-01. Review status: criteria provided, single submitter. Criteria: CeGaT Center For Human Genetics Tuebingen Variant Classification Criteria Version 2. Collection method: clinical testing. Allele origin: germline. Affected: yes. Observed: 1 variant allele.
Comment: HSPG2: BP4, BS1

Labcorp Genetics (formerly Invitae), Labcorp
Classification: Benign. Last evaluated: 2025-12-22. Review status: criteria provided, single submitter. Criteria: Invitae Variant Classification Sherloc (09022015). Collection method: clinical testing. Allele origin: germline.

Blueprint Genetics
Classification: Likely benign. Last evaluated: 2024-07-15. Review status: criteria provided, single submitter. Criteria: ACMG Guidelines, 2015. Collection method: clinical testing. Allele origin: germline.

ARUP Laboratories, Molecular Genetics and Genomics, ARUP Laboratories
Classification: Benign. Last evaluated: 2023-11-06. Review status: criteria provided, single submitter. Criteria: ARUP Molecular Germline Variant Investigation Process 2024. Collection method: clinical testing. Allele origin: germline.

GeneDx
Classification: Benign. Last evaluated: 2020-09-10. Review status: criteria provided, single submitter. Criteria: GeneDx Variant Classification Process June 2021. Collection method: clinical testing. Allele origin: germline. Affected: yes.

Athena Diagnostics
Classification: Benign. Last evaluated: 2018-03-05. Review status: criteria provided, single submitter. Criteria: Athena Diagnostics Criteria. Collection method: clinical testing. Allele origin: germline.

Illumina Laboratory Services, Illumina
Classification: Benign for Schwartz-Jampel syndrome type 1. Last evaluated: 2018-01-13. Review status: criteria provided, single submitter. Criteria: ICSL Variant Classification Criteria 13 December 2019. Collection method: clinical testing. Allele origin: germline.
Comment: This variant was observed in the ICSL laboratory as part of a predisposition screen in an ostensibly healthy population. It had not been previously curated by ICSL or reported in the Human Gene Mutation Database (HGMD: prior to June 1st, 2018), and was therefore a candidate for classification through an automated scoring system. Utilizing variant allele frequency, disease prevalence and penetrance estimates, and inheritance mode, an automated score was calculated to assess if this variant is too frequent to cause the disease. Based on the score and internal cut-off values, a variant classified as benign is not then subjected to further curation. The score for this variant resulted in a classification of benign for this disease.

Illumina Laboratory Services, Illumina
Classification: Benign for Lethal Kniest-like syndrome. Last evaluated: 2018-01-13. Review status: criteria provided, single submitter. Criteria: ICSL Variant Classification Criteria 13 December 2019. Collection method: clinical testing. Allele origin: germline.
Comment: the same text as in the submission from Illumina Laboratory Services, Illumina above.

NM_005529.7(HSPG2):c.10151-8C>T

Gene: HSPG2 (heparan sulfate proteoglycan 2; minus strand). Cytogenetic location: 1p36.12.
Variant type: single nucleotide variant.
Coding change: c.10151-8C>T on transcript NM_005529.7 (MANE Select); 8 bases into the intron before coding-DNA position 10151, C replaced by T.
Molecular consequence: intron variant.
Genome position (GRCh38, 1-based): chr1:21,837,014, G>A on the plus strand (C>T on the coding strand, the complement: HSPG2 is on the minus strand). VCF-style: chr1-21837014-G-A. GRCh37 (hg19) VCF-style: chr1-22163507-G-A.
Other names: c.10154-8C>T (NM_001291860.2).
Identifiers: ClinVar variation 585970 (VCV000585970.30), dbSNP rs184079211, ClinGen allele CA670203.
Genomic context (GRCh38, chr1:21,837,014, plus strand): 5'-GGTGGGCGTGGACCCTGCTGGGATGGAGGTGGCAGGGAGAGAGCCGGGAGGGCCTGCGGG[G>A]ACATGTATGAGGTTCTGCAGGTATATGTGTGTGTGATGTCCCTGATGCCCCTCCAGGGAC-3'